The following is an entry in ClinVar:

ClinVar aggregate classification (germline): Conflicting classifications of pathogenicity. Review status: criteria provided, conflicting classifications (1 of 4 stars). 5 submissions from 5 submitters: Uncertain significance (1); Likely benign (3). 1 of the submissions does not count toward it. Last evaluated 2025-12-24.

Conditions:
ADCY10-related disorder. Also called: ADCY10-related condition.

Allele frequency attached by ClinVar (database versions not stated): 1000 Genomes Project 0.00240; ESP Exome Variant Server 0.00246; gnomAD 0.00273 and 0.00292; TOPMed 0.00284; 1000 Genomes Project 30x 0.00234.
gnomAD v4.1: 770 of 1,614,056 alleles (0.048%); highest among the groups gnomAD compares: African/African-American, 0.94%; 2 homozygotes.

Submissions (5):

Labcorp Genetics (formerly Invitae), Labcorp
Classification: Likely benign. Last evaluated: 2025-12-24. Review status: criteria provided, single submitter. Criteria: Invitae Variant Classification Sherloc (09022015). Collection method: clinical testing. Allele origin: germline.

Ambry Genetics
Classification: Uncertain significance. Last evaluated: 2025-08-10. Review status: criteria provided, single submitter. Criteria: Ambry Variant Classification Scheme 2023. Collection method: clinical testing. Allele origin: germline.

Mayo Clinic Laboratories, Mayo Clinic
Classification: Likely benign. Last evaluated: 2025-02-24. Review status: criteria provided, single submitter. Criteria: ACMG Guidelines, 2015. Collection method: clinical testing. Allele origin: germline. Observed: 1 variant allele.
Comment: BS1, BP4_moderate

Breakthrough Genomics
Classification: Likely benign. Review status: criteria provided, single submitter. Criteria: ACMG Guidelines, 2015. Collection method: not provided. Allele origin: germline. Inheritance: Autosomal dominant inheritance. Affected: yes.

PreventionGenetics, part of Exact Sciences
Classification: Benign for ADCY10-related condition. Last evaluated: 2019-11-12. Review status: no assertion criteria provided. Collection method: clinical testing. Allele origin: germline. Not counted in ClinVar's aggregate classification.
Comment: This variant is classified as benign based on ACMG/AMP sequence variant interpretation guidelines (Richards et al. 2015 PMID: 25741868, with internal and published modifications).

NM_018417.6(ADCY10):c.2236C>T (p.His746Tyr)

Gene: ADCY10 (adenylate cyclase 10; minus strand). Cytogenetic location: 1q24.2.
Variant type: single nucleotide variant.
Coding change: c.2236C>T on transcript NM_018417.6 (MANE Select); coding-DNA position 2236, C replaced by T.
Protein change: p.His746Tyr; replaces histidine 746 with tyrosine.
Molecular consequence: missense variant.
Genome position (GRCh38, 1-based): chr1:167,854,425, G>A on the plus strand (C>T on the coding strand, the complement: ADCY10 is on the minus strand). VCF-style: chr1-167854425-G-A. GRCh37 (hg19) VCF-style: chr1-167823663-G-A.
Other names: p.His746Tyr; c.2236C>T (NM_018417.4); c.1777C>T, p.His593Tyr (NM_001167749.3); c.1960C>T, p.His654Tyr (NM_001297772.2); short protein forms H654Y, H593Y, H746Y.
Identifiers: ClinVar variation 791820 (VCV000791820.15), dbSNP rs148216539, ClinGen allele CA1227702.